The following is an entry in ClinVar:

NM_001110556.2(FLNA):c.3021G>C (p.Lys1007Asn)

Gene: FLNA (filamin A; minus strand). Cytogenetic location: Xq28.
Variant type: single nucleotide variant.
Coding change: c.3021G>C on transcript NM_001110556.2 (MANE Select); coding-DNA position 3021, G replaced by C.
Protein change: p.Lys1007Asn; replaces lysine 1007 with asparagine.
Molecular consequence: missense variant.
Genome position (GRCh38, 1-based): chrX:154,361,494, C>G on the plus strand (G>C on the coding strand, the complement: FLNA is on the minus strand). VCF-style: chrX-154361494-C-G. GRCh37 (hg19) VCF-style: chrX-153589862-C-G.
Other names: c.3021G>C, p.Lys1007Asn (NM_001456.4); short protein forms K1007N.
Identifiers: ClinVar variation 2080834 (VCV002080834.17), dbSNP rs2148113562, ClinGen allele CA415230837.

ClinVar aggregate classification (germline): Uncertain significance. Review status: criteria provided, multiple submitters, no conflicts (2 of 4 stars). 2 submissions from 2 submitters: Uncertain significance (2). Last evaluated 2025-02-01.

Conditions:
Melnick-Needles syndrome (MNS). Also called: MELNICK-NEEDLES OSTEODYSPLASTY; OSTEODYSPLASTY OF MELNICK AND NEEDLES; Melnick-Needles Syndrome (FLNA-MNS). Identifiers: Orphanet 2484, MedGen C0025237, MONDO:0010650, OMIM 309350.
Heterotopia, periventricular, X-linked dominant (PVNH1). Also called: PERIVENTRICULAR NODULAR HETEROTOPIA 4; HETEROTOPIA, PERIVENTRICULAR, 1; PERIVENTRICULAR NODULAR HETEROTOPIA 1; X-linked periventricular heterotopia. Identifiers: Orphanet 2149, Orphanet 82004, MedGen C1848213, MONDO:0010233, OMIM 300049.
Frontometaphyseal dysplasia (FMD1). Identifiers: Orphanet 1826, MedGen C0265293, MONDO:0015942.
Oto-palato-digital syndrome, type II (OPD2). Also called: Otopalatodigital Syndrome, Type II; FACIOPALATOOSSEOUS SYNDROME; OPD II SYNDROME; Otopalatodigital Syndrome Type 2 (FLNA-OPD2). Identifiers: Orphanet 669, Orphanet 90652, MedGen C1844696, MONDO:0010571, OMIM 304120.

Submissions (2):

CeGaT Center for Human Genetics Tuebingen
Classification: Uncertain significance. Last evaluated: 2025-02-01. Review status: criteria provided, single submitter. Criteria: CeGaT Center For Human Genetics Tuebingen Variant Classification Criteria Version 2. Collection method: clinical testing. Allele origin: germline. Affected: yes. Observed: 1 variant allele.
Comment: FLNA: PM2

Labcorp Genetics (formerly Invitae), Labcorp
Classification: Uncertain significance for Oto-palato-digital syndrome, type II; Heterotopia, periventricular, X-linked dominant; Frontometaphyseal dysplasia; Melnick-Needles syndrome. Last evaluated: 2022-01-12. Review status: criteria provided, single submitter. Criteria: Invitae Variant Classification Sherloc (09022015). Collection method: clinical testing. Allele origin: germline.
Comment: In summary, the available evidence is currently insufficient to determine the role of this variant in disease. Therefore, it has been classified as a Variant of Uncertain Significance. Advanced modeling of protein sequence and biophysical properties (such as structural, functional, and spatial information, amino acid conservation, physicochemical variation, residue mobility, and thermodynamic stability) performed at Invitae indicates that this missense variant is not expected to disrupt FLNA protein function. This variant has not been reported in the literature in individuals affected with FLNA-related conditions. This variant is not present in population databases (gnomAD no frequency). This sequence change replaces lysine, which is basic and polar, with asparagine, which is neutral and polar, at codon 1007 of the FLNA protein (p.Lys1007Asn).